The following is an entry in ClinVar:

NM_000414.4(HSD17B4):c.718G>T (p.Gly240Ter)

Gene: HSD17B4 (hydroxysteroid 17-beta dehydrogenase 4; plus strand). Cytogenetic location: 5q23.1.
Variant type: single nucleotide variant.
Coding change: c.718G>T on transcript NM_000414.4 (MANE Select); coding-DNA position 718, G replaced by T.
Protein change: p.Gly240Ter; replaces glycine 240 with a stop codon.
Molecular consequence: nonsense. On other transcripts: non-coding transcript variant (2).
Genome position (GRCh38, 1-based): chr5:119,492,103, G>T. VCF-style: chr5-119492103-G-T. GRCh37 (hg19) VCF-style: chr5-118827798-G-T.
Other names: c.793G>T, p.Gly265Ter (NM_001199291.3); c.664G>T, p.Gly222Ter (NM_001199292.2); c.646G>T, p.Gly216Ter (NM_001292027.2); c.298G>T, p.Gly100Ter (NM_001292028.2); c.709G>T, p.Gly237Ter (NM_001374497.1); c.718G>T, p.Gly240Ter (NM_001374498.1); c.391G>T, p.Gly131Ter (NM_001374499.1); c.277G>T, p.Gly93Ter (NM_001374500.1); and 1 more; short protein forms G100*, G103*, G265*, G93*, G131*, G237*, G240*, G216*.
Identifiers: ClinVar variation 2941015 (VCV002941015.4), dbSNP rs886059821, ClinGen allele CA360867086.

ClinVar aggregate classification (germline): Pathogenic (1 of 4 stars; one submission).

Conditions:
Bifunctional peroxisomal enzyme deficiency (DBIF). Also called: DBP DEFICIENCY; PBFE DEFICIENCY; D-bifunctional protein deficiency. Identifiers: Orphanet 300, MedGen C0342870, MONDO:0009855, OMIM 261515. Disease mechanism: loss of function.
Perrault syndrome. Also called: Gonadal dysgenesis with auditory dysfunction, autosomal recessive inheritance. Identifiers: Orphanet 2855, MedGen C0685838, MONDO:0017312.

Submissions (2):

Labcorp Genetics (formerly Invitae), Labcorp
Classification: Pathogenic for Perrault syndrome; Bifunctional peroxisomal enzyme deficiency. Last evaluated: 2022-10-27. Review status: criteria provided, single submitter. Criteria: Invitae Variant Classification Sherloc (09022015). Collection method: clinical testing. Allele origin: germline.
Comment: This sequence change creates a premature translational stop signal (p.Gly240*) in the HSD17B4 gene. It is expected to result in an absent or disrupted protein product. Loss-of-function variants in HSD17B4 are known to be pathogenic (PMID: 11810648, 16385454, 20673864). This variant is not present in population databases (gnomAD no frequency). This variant has not been reported in the literature in individuals affected with HSD17B4-related conditions. For these reasons, this variant has been classified as Pathogenic.

Dr. Peter K. Rogan Lab, Western University
No classification provided (evidence only). Condition: Melanoma. Review status: no classification provided. Collection method: in vitro. Allele origin: not applicable. Functional consequence: retained intron. Not counted in ClinVar's aggregate classification.

Literature cited by the submitters: PubMed 11810648 (cited by Labcorp Genetics (formerly Invitae), Labcorp); PubMed 16385454 (cited by Labcorp Genetics (formerly Invitae), Labcorp); PubMed 20673864 (cited by Labcorp Genetics (formerly Invitae), Labcorp).